The following is an entry in ClinVar:

NM_000186.4(CFH):c.506A>G (p.His169Arg)

Gene: CFH (complement factor H; plus strand). Cytogenetic location: 1q31.3.
Variant type: single nucleotide variant.
Coding change: c.506A>G on transcript NM_000186.4 (MANE Select); coding-DNA position 506, A replaced by G.
Protein change: p.His169Arg; replaces histidine 169 with arginine.
Molecular consequence: missense variant.
Genome position (GRCh38, 1-based): chr1:196,677,554, A>G. VCF-style: chr1-196677554-A-G. GRCh37 (hg19) VCF-style: chr1-196646684-A-G.
Other names: c.506A>G, p.His169Arg (NM_001014975.3); short protein forms H169R.
Identifiers: ClinVar variation 1032244 (VCV001032244.11), dbSNP rs768647508, ClinGen allele CA1305082.
Genomic context (GRCh38, chr1:196,677,554, plus strand): 5'-TGACAGCACCAGAGAATGGAAAAATTGTCAGTAGTGCAATGGAACCAGATCGGGAATACC[A>G]TTTTGGACAAGCAGTACGGTTTGTATGTAACTCAGGCTACAAGATTGAAGGAGATGAAGA-3'
Protein context (NP_000177.2, residues 159-179): SSAMEPDREY[His169Arg]FGQAVRFVCN

ClinVar aggregate classification (germline): Uncertain significance. Review status: criteria provided, multiple submitters, no conflicts (2 of 4 stars). 8 submissions from 5 submitters: Uncertain significance (8). Last evaluated 2025-10-02.

Conditions:
Age related macular degeneration 4. Identifiers: MedGen C1853147, MONDO:0012540, OMIM 610698.
CFH-related disorder. Also called: CFH-related condition; CFH-related disorders.
Basal laminar drusen. Also called: DRUSEN OF BRUCH MEMBRANE; DRUSEN, CUTICULAR; DRUSEN, EARLY ADULT-ONSET, GROUPED. Identifiers: Orphanet 75376, MedGen C0730295, MONDO:0007472, OMIM 126700.
Atypical hemolytic-uremic syndrome. Identifiers: Orphanet 2134, MedGen C2931788, MONDO:0016244.
Factor H deficiency (CFHD). Also called: CFH DEFICIENCY; COMPLEMENT FACTOR H DEFICIENCY. Identifiers: Orphanet 200421, MedGen C0398777, MONDO:0012350, OMIM 609814.
Hemolytic uremic syndrome, atypical, susceptibility to, 1. Also called: AHUS, SUSCEPTIBILITY TO, 1. Identifiers: Orphanet 2134, Orphanet 90038, MedGen C2749604, MONDO:0009335, OMIM 235400. Disease mechanism: Other.

Allele frequency attached by ClinVar (database versions not stated): gnomAD exomes 0.00004 and 0.00001; ExAC 0.00002.
gnomAD v4.1: 55 of 1,613,298 alleles (0.0034%); highest among the groups gnomAD compares: Non-Finnish European, 0.0042%; no homozygotes.

Submissions (8):

Genomenon, Inc
Classification: Uncertain significance for Basal laminar drusen; Age related macular degeneration 4; Atypical hemolytic-uremic syndrome; Factor H deficiency. Last evaluated: 2025-10-02. Review status: criteria provided, single submitter. Criteria: Genomenon Sequence Variant Interpretation Standards - Updated. Collection method: curation. Allele origin: germline. Affected: no.
Comment: CFH p.His169Arg (c.506A>G) is a missense variant that changes the amino acid at residue 169 from Histidine to Arginine. This variant has been reported in the published literature (PMID:26501415). It is absent or not present at a significant frequency in gnomAD. In silico models agree that this variant is not damaging. In conclusion, we classify CFH p.His169Arg (c.506A>G) as a variant of uncertain significance.

Labcorp Genetics (formerly Invitae), Labcorp
Classification: Uncertain significance. Last evaluated: 2024-10-07. Review status: criteria provided, single submitter. Criteria: Invitae Variant Classification Sherloc (09022015). Collection method: clinical testing. Allele origin: germline.
Comment: This sequence change replaces histidine, which is basic and polar, with arginine, which is basic and polar, at codon 169 of the CFH protein (p.His169Arg). This variant is present in population databases (rs768647508, gnomAD 0.003%). This variant has not been reported in the literature in individuals affected with CFH-related conditions. ClinVar contains an entry for this variant (Variation ID: 1032244). An algorithm developed to predict the effect of missense changes on protein structure and function outputs the following: PolyPhen-2: "Benign". The arginine amino acid residue is found in multiple mammalian species, which suggests that this missense change does not adversely affect protein function. In summary, the available evidence is currently insufficient to determine the role of this variant in disease. Therefore, it has been classified as a Variant of Uncertain Significance.

Daryl Scott Lab, Baylor College of Medicine
Classification: Uncertain significance for CFH-related disorder. Last evaluated: 2023-11-10. Review status: criteria provided, single submitter. Criteria: ACMG Guidelines, 2015. Collection method: clinical testing. Allele origin: paternal.

Genome-Nilou Lab
Classification: Uncertain significance for Hemolytic uremic syndrome, atypical, susceptibility to, 1. Last evaluated: 2023-04-11. Review status: criteria provided, single submitter. Criteria: ACMG Guidelines, 2015. Collection method: clinical testing. Allele origin: germline. Affected: no.

Genome-Nilou Lab
Classification: Uncertain significance for Age related macular degeneration 4. Last evaluated: 2023-04-11. Review status: criteria provided, single submitter. Criteria: ACMG Guidelines, 2015. Collection method: clinical testing. Allele origin: germline. Affected: no.

Genome-Nilou Lab
Classification: Uncertain significance for Basal laminar drusen. Last evaluated: 2023-04-11. Review status: criteria provided, single submitter. Criteria: ACMG Guidelines, 2015. Collection method: clinical testing. Allele origin: germline. Affected: no.

Genome-Nilou Lab
Classification: Uncertain significance for Factor H deficiency. Last evaluated: 2023-04-11. Review status: criteria provided, single submitter. Criteria: ACMG Guidelines, 2015. Collection method: clinical testing. Allele origin: germline. Affected: no.

Baylor Genetics
Classification: Uncertain significance for Hemolytic uremic syndrome, atypical, susceptibility to, 1. Last evaluated: 2018-09-07. Review status: criteria provided, single submitter. Criteria: ACMG Guidelines, 2015. Collection method: clinical testing. Allele origin: paternal. Affected: yes.
Comment: This variant was determined to be of uncertain significance according to ACMG Guidelines, 2015 [PMID:25741868].

Literature cited by the submitters: PubMed 26501415 (cited by Genomenon, Inc).